The following is an entry in ClinVar:

NM_004415.4(DSP):c.3328A>G (p.Lys1110Glu)

Gene: DSP (desmoplakin; plus strand). Cytogenetic location: 6p24.3.
Variant type: single nucleotide variant.
Coding change: c.3328A>G on transcript NM_004415.4 (MANE Select); coding-DNA position 3328, A replaced by G.
Protein change: p.Lys1110Glu; replaces lysine 1110 with glutamic acid.
Molecular consequence: missense variant.
Genome position (GRCh38, 1-based): chr6:7,579,518, A>G. VCF-style: chr6-7579518-A-G. GRCh37 (hg19) VCF-style: chr6-7579751-A-G.
Other names: c.3328A>G, p.Lys1110Glu (NM_001008844.3, NM_001319034.2); short protein forms K1110E.
Identifiers: ClinVar variation 4757039 (VCV004757039.1).

ClinVar aggregate classification (germline): Uncertain significance (1 of 4 stars; one submission).

Conditions:
Cardiomyopathy (CMYO). Also called: Cardiomyopathies. Identifiers: Orphanet 167848, MedGen C0878544, MONDO:0004994, HP:0001638. Inheritance: Various modes of inheritance.

gnomAD v4.1: 1 of 1,614,016 alleles (0.000062%); highest among the groups gnomAD compares: Non-Finnish European, 0.000085%; no homozygotes.

Submission:

Color Diagnostics, LLC DBA Color Health
Classification: Uncertain significance for Cardiomyopathy. Last evaluated: 2025-06-17. Review status: criteria provided, single submitter. Criteria: ACMG Guidelines, 2015. Collection method: clinical testing. Allele origin: germline.
Comment: This missense variant replaces lysine with glutamic acid at codon 1110 of the DSP protein. Computational prediction suggests that this variant may not impact protein structure and function. To our knowledge, functional studies have not been reported for this variant. This variant has not been reported in individuals affected with DSP-related disorders in the literature. This variant has not been identified in the general population by the Genome Aggregation Database (gnomAD). The available evidence is insufficient to determine the role of this variant in disease conclusively. Therefore, this variant is classified as a Variant of Uncertain Significance.